The following is an entry in ClinVar:

NM_031372.4(HNRNPDL):c.386T>C (p.Ile129Thr)

Gene: HNRNPDL (heterogeneous nuclear ribonucleoprotein D like; minus strand). Cytogenetic location: 4q21.22.
Variant type: single nucleotide variant.
Coding change: c.386T>C on transcript NM_031372.4 (MANE Select); coding-DNA position 386, T replaced by C.
Protein change: p.Ile129Thr; replaces isoleucine 129 with threonine.
Molecular consequence: missense variant. On other transcripts: non-coding transcript variant (1).
Genome position (GRCh38, 1-based): chr4:82,429,305, A>G on the plus strand (T>C on the coding strand, the complement: HNRNPDL is on the minus strand). VCF-style: chr4-82429305-A-G. GRCh37 (hg19) VCF-style: chr4-83350458-A-G.
Other names: c.386T>C, p.Ile129Thr (NM_001207000.1); short protein forms I129T.
Identifiers: ClinVar variation 1502207 (VCV001502207.6), dbSNP rs755129042, ClinGen allele CA2985021.

ClinVar aggregate classification (germline): Uncertain significance (1 of 4 stars; one submission).

Conditions:
Autosomal dominant limb-girdle muscular dystrophy type 1G (LGMDD3). Also called: MUSCULAR DYSTROPHY, LIMB-GIRDLE, AUTOSOMAL DOMINANT 3; Limb-girdle muscular dystrophy, type 1G. Identifiers: Orphanet 55596, MedGen C1836765, MONDO:0012193, OMIM 609115.

Allele frequency attached by ClinVar (database versions not stated): gnomAD exomes below 0.00001 and 0.00001; ExAC 0.00001; TOPMed 0.00001; gnomAD 0.00002.
gnomAD v4.1: 12 of 1,613,438 alleles (0.00074%); highest among the groups gnomAD compares: African/African-American, 0.0013%; no homozygotes.

Submission:

Labcorp Genetics (formerly Invitae), Labcorp
Classification: Uncertain significance for Autosomal dominant limb-girdle muscular dystrophy type 1G. Last evaluated: 2024-10-03. Review status: criteria provided, single submitter. Criteria: Invitae Variant Classification Sherloc (09022015). Collection method: clinical testing. Allele origin: germline.
Comment: This sequence change replaces isoleucine, which is neutral and non-polar, with threonine, which is neutral and polar, at codon 129 of the HNRNPDL protein (p.Ile129Thr). This variant is present in population databases (rs755129042, gnomAD 0.003%). This variant has not been reported in the literature in individuals affected with HNRNPDL-related conditions. ClinVar contains an entry for this variant (Variation ID: 1502207). An algorithm developed to predict the effect of missense changes on protein structure and function outputs the following: PolyPhen-2: "Benign". The threonine amino acid residue is found in multiple mammalian species, which suggests that this missense change does not adversely affect protein function. In summary, the available evidence is currently insufficient to determine the role of this variant in disease. Therefore, it has been classified as a Variant of Uncertain Significance.